The following is an entry in ClinVar:

ClinVar aggregate classification (germline): Uncertain significance (1 of 4 stars; one submission).

Allele frequency attached by ClinVar (database versions not stated): gnomAD 0.00003 and 0.00004; ESP Exome Variant Server 0.00008.
gnomAD v4.1: 83 of 1,612,714 alleles (0.0051%); highest among the groups gnomAD compares: Non-Finnish European, 0.0069%; no homozygotes.

Submission:

Labcorp Genetics (formerly Invitae), Labcorp
Classification: Uncertain significance. Last evaluated: 2022-10-04. Review status: criteria provided, single submitter. Criteria: Invitae Variant Classification Sherloc (09022015). Collection method: clinical testing. Allele origin: germline.
Comment: In summary, the available evidence is currently insufficient to determine the role of this variant in disease. Therefore, it has been classified as a Variant of Uncertain Significance. Algorithms developed to predict the effect of missense changes on protein structure and function (SIFT, PolyPhen-2, Align-GVGD) all suggest that this variant is likely to be tolerated. ClinVar contains an entry for this variant (Variation ID: 1389247). This variant has not been reported in the literature in individuals affected with SAMD11-related conditions. This variant is present in population databases (rs369313181, gnomAD 0.003%). This sequence change replaces alanine, which is neutral and non-polar, with valine, which is neutral and non-polar, at codon 627 of the SAMD11 protein (p.Ala627Val).

NM_001385641.1(SAMD11):c.2369C>T (p.Ala790Val)

Gene: SAMD11 (sterile alpha motif domain containing 11; plus strand). Cytogenetic location: 1p36.33.
Variant type: single nucleotide variant.
Coding change: c.2369C>T on transcript NM_001385641.1 (MANE Select); coding-DNA position 2369, C replaced by T.
Protein change: p.Ala790Val; replaces alanine 790 with valine.
Molecular consequence: missense variant.
Genome position (GRCh38, 1-based): chr1:943,987, C>T. VCF-style: chr1-943987-C-T. GRCh37 (hg19) VCF-style: chr1-879367-C-T.
Other names: c.2372C>T, p.Ala791Val (NM_001385640.1); c.1880C>T, p.Ala627Val (NM_152486.4); short protein forms A791V, A627V, A790V.
Identifiers: ClinVar variation 1389247 (VCV001389247.8), dbSNP rs369313181, ClinGen allele CA503362.